The following is an entry in ClinVar:

ClinVar aggregate classification (germline): Likely benign (0 of 4 stars; one submission).

Conditions:
ZNF592-related disorder. Also called: ZNF592-related condition.

Allele frequency attached by ClinVar (database versions not stated): ESP Exome Variant Server 0.00008; 1000 Genomes Project 0.00120; 1000 Genomes Project 30x 0.00125.
gnomAD v4.1: 261 of 1,613,928 alleles (0.016%); highest among the groups gnomAD compares: East Asian, 0.49%; no homozygotes.

Submission:

PreventionGenetics, part of Exact Sciences
Classification: Likely benign for ZNF592-related condition. Last evaluated: 2019-12-16. Review status: no assertion criteria provided. Collection method: clinical testing. Allele origin: germline.
Comment: This variant is classified as likely benign based on ACMG/AMP sequence variant interpretation guidelines (Richards et al. 2015 PMID: 25741868, with internal and published modifications).

NM_014630.3(ZNF592):c.2559G>C (p.Gln853His)

Gene: ZNF592 (zinc finger protein 592; plus strand). Cytogenetic location: 15q25.3.
Variant type: single nucleotide variant.
Coding change: c.2559G>C on transcript NM_014630.3 (MANE Select); coding-DNA position 2559, G replaced by C.
Protein change: p.Gln853His; replaces glutamine 853 with histidine.
Molecular consequence: missense variant.
Genome position (GRCh38, 1-based): chr15:84,798,028, G>C. VCF-style: chr15-84798028-G-C. GRCh37 (hg19) VCF-style: chr15-85341259-G-C.
Other names: short protein forms Q853H.
Identifiers: ClinVar variation 3048272 (VCV003048272.2), dbSNP rs181448204, ClinGen allele CA7708404.